The following is an entry in ClinVar:

ClinVar aggregate classification (germline): Pathogenic/Likely pathogenic. Review status: criteria provided, multiple submitters, no conflicts (2 of 4 stars). 2 submissions from 2 submitters: Pathogenic (1); Likely pathogenic (1). Last evaluated 2023-09-30.

Submissions (2):

Labcorp Genetics (formerly Invitae), Labcorp
Classification: Likely pathogenic. Last evaluated: 2023-09-30. Review status: criteria provided, single submitter. Criteria: Invitae Variant Classification Sherloc (09022015). Collection method: clinical testing. Allele origin: germline.
Comment: This sequence change affects a donor splice site in intron 9 of the P3H2 gene. It is expected to disrupt RNA splicing. Variants that disrupt the donor or acceptor splice site typically lead to a loss of protein function (PMID: 16199547), and loss-of-function variants in P3H2 are known to be pathogenic (PMID: 24172257, 25469533). This variant is not present in population databases (gnomAD no frequency). This variant has not been reported in the literature in individuals affected with P3H2-related conditions. ClinVar contains an entry for this variant (Variation ID: 424202). Algorithms developed to predict the effect of sequence changes on RNA splicing suggest that this variant may disrupt the consensus splice site. In summary, the currently available evidence indicates that the variant is pathogenic, but additional data are needed to prove that conclusively. Therefore, this variant has been classified as Likely Pathogenic.

GeneDx
Classification: Pathogenic. Last evaluated: 2019-09-17. Review status: criteria provided, single submitter. Criteria: GeneDx Variant Classification Process June 2021. Collection method: clinical testing. Allele origin: germline. Affected: yes.
Comment: Canonical splice site variant in a gene for which loss-of-function is a known mechanism of disease; Not observed in large population cohorts (Lek et al., 2016); Has not been previously published as pathogenic or benign to our knowledge

Literature cited by the submitters: PubMed 16199547 (cited by Labcorp Genetics (formerly Invitae), Labcorp); PubMed 24172257 (cited by Labcorp Genetics (formerly Invitae), Labcorp); PubMed 25469533 (cited by Labcorp Genetics (formerly Invitae), Labcorp).

NM_018192.4(P3H2):c.1452+1G>T

Gene: P3H2 (prolyl 3-hydroxylase 2; minus strand). Cytogenetic location: 3q28.
Variant type: single nucleotide variant.
Coding change: c.1452+1G>T on transcript NM_018192.4 (MANE Select); the canonical splice donor site of the intron after coding-DNA position 1452, G replaced by T.
Molecular consequence: splice donor variant.
Genome position (GRCh38, 1-based): chr3:189,974,557, C>A on the plus strand (G>T on the coding strand, the complement: P3H2 is on the minus strand). VCF-style: chr3-189974557-C-A. GRCh37 (hg19) VCF-style: chr3-189692346-C-A.
Other names: c.909+1G>T (NM_001134418.2).
Identifiers: ClinVar variation 424202 (VCV000424202.7), dbSNP rs1064796858, ClinGen allele CA16617860.
Genomic context (GRCh38, chr3:189,974,557, plus strand): 5'-AGCAGTTCCAGCTTCTTGGCAGGCCAGCGCAGTGAGCTCCCCTCCTTCTCCGGATCCTCA[C>A]ACTGGCCACGCTGTGGAGCTCCCGGCACTGTTCTTCCGACAGGACGTTATCCAGGAGAAC-3'